The following is an entry in ClinVar:

NM_001399.5(EDA):c.610G>A (p.Gly204Arg)

Gene: EDA (ectodysplasin A; plus strand). Cytogenetic location: Xq13.1.
Variant type: single nucleotide variant.
Coding change: c.610G>A on transcript NM_001399.5 (MANE Select); coding-DNA position 610, G replaced by A.
Protein change: p.Gly204Arg; replaces glycine 204 with arginine.
Molecular consequence: missense variant.
Genome position (GRCh38, 1-based): chrX:70,027,940, G>A. VCF-style: chrX-70027940-G-A. GRCh37 (hg19) VCF-style: chrX-69247790-G-A.
Other names: c.610G>A, p.Gly204Arg (NM_001005609.2, NM_001005612.3); short protein forms G204R.
Identifiers: ClinVar variation 863617 (VCV000863617.9), dbSNP rs2020139065, ClinGen allele CA413448342.
Genomic context (GRCh38, chrX:70,027,940, plus strand): 5'-CCCAATGGCCCTCCAGGACCCCCAGGACCTCCAGGACCCCAGGGACCCCCAGGAATTCCA[G>A]GGATTCCTGGAATTCCAGGAACAACTGTTATGGGACCACCTGGTCCTCCAGGTCCTCCTG-3'
Protein context (NP_001390.1, residues 194-214): PGPQGPPGIP[Gly204Arg]IPGIPGTTVM

ClinVar aggregate classification (germline): Pathogenic (1 of 4 stars; one submission).

Conditions:
Hypohidrotic X-linked ectodermal dysplasia (XHED). Also called: ECTODERMAL DYSPLASIA 1, HYPOHIDROTIC, X-LINKED; ECTODERMAL DYSPLASIA 1, HYPOHIDROTIC/HAIR/TOOTH TYPE, X-LINKED; ECTODERMAL DYSPLASIA 1; Ectodermal Dysplasia 1, Anhidrotic; Anhidrotic ectodermal dysplasia X-linked; Christ Siemens Touraine syndrome. Identifiers: Orphanet 181, Orphanet 238468, MedGen C0162359, MONDO:0010585, OMIM 305100.

Submission:

Labcorp Genetics (formerly Invitae), Labcorp
Classification: Pathogenic for Hypohidrotic X-linked ectodermal dysplasia. Last evaluated: 2024-07-08. Review status: criteria provided, single submitter. Criteria: Invitae Variant Classification Sherloc (09022015). Collection method: clinical testing. Allele origin: germline.
Comment: This sequence change replaces glycine, which is neutral and non-polar, with arginine, which is basic and polar, at codon 204 of the EDA protein (p.Gly204Arg). This variant is not present in population databases (gnomAD no frequency). This missense change has been observed in individual(s) with clinical features consistent with ectodermal dysplasia (Invitae). In at least one individual the variant was observed to be de novo. ClinVar contains an entry for this variant (Variation ID: 863617). Advanced modeling of protein sequence and biophysical properties (such as structural, functional, and spatial information, amino acid conservation, physicochemical variation, residue mobility, and thermodynamic stability) performed at Invitae indicates that this missense variant is expected to disrupt EDA protein function with a positive predictive value of 95%. For these reasons, this variant has been classified as Pathogenic.